The following is an entry in ClinVar:

ClinVar aggregate classification (germline): Conflicting classifications of pathogenicity. Review status: criteria provided, conflicting classifications (1 of 4 stars). 2 submissions from 2 submitters: Likely pathogenic (1); Uncertain significance (1). Last evaluated 2026-02-09.

Conditions:
Christianson syndrome (MRXSCH). Also called: SLC9A6-Related Syndromic Mental Retardation; INTELLECTUAL DEVELOPMENTAL DISORDER, X-LINKED, SYNDROMIC, CHRISTIANSON TYPE; X-linked mental retardation, syndromic, Christianson type. Identifiers: Orphanet 85278, MedGen C2678194, MONDO:0010278, OMIM 300243.

Submissions (2):

Victorian Clinical Genetics Services, Murdoch Childrens Research Institute
Classification: Uncertain significance for Christianson syndrome. Last evaluated: 2026-02-09. Review status: criteria provided, single submitter. Criteria: ACMG Guidelines, 2015. Collection method: clinical testing. Allele origin: germline. Affected: yes.
Comment: This variant is classified as VUS-3B. Evidence in support of pathogenic classification: Variant is absent from gnomAD (v2, v3 and v4); This variant has limited previous evidence of pathogenicity in an unrelated individual(s). This variant has been classified as likely pathogenic by a clinical laboratory in ClinVar. Additional information: Variant is predicted to result in a missense amino acid change from Ser to Gly; This variant is hemizygous; This gene is associated with X-linked disease. Intellectual developmental disorder, X-linked syndromic, Christianson type, (MIM#300243) typically affects males while milder heterozygous females have been described. Neurodegenerative disorder, X-linked, female-restricted, with parkinsonism and cognitive impairment (MIM#301142) only affects heterozygous females. There is no genotype-phenotype correlation; both conditions have been reported in different members of the same family with the same variant (PMID: 39810750, 27142213); No published functional evidence has been identified for this variant; No comparable missense variants have previous evidence for pathogenicity; Variant is not located in an established domain, motif, hotspot or informative constraint region; Missense variant with inconclusive in silico prediction and/or uninformative conservation; Loss of function is a known mechanism of disease in this gene and is associated with intellectual developmental disorder, X-linked syndromic, Christianson type, (MIM#300243) and neurodegenerative disorder, X-linked, female-restricted, with parkinsonism and cognitive impairment (MIM#301142).

GeneDx
Classification: Likely pathogenic. Last evaluated: 2022-09-07. Review status: criteria provided, single submitter. Criteria: GeneDx Variant Classification Process June 2021. Collection method: clinical testing. Allele origin: germline. Affected: yes.
Comment: Not observed at significant frequency in large population cohorts (gnomAD); In silico analysis supports that this missense variant has a deleterious effect on protein structure/function; Has not been previously published as pathogenic or benign to our knowledge

Literature cited by the submitters: PubMed 30296617 (cited by Victorian Clinical Genetics Services, Murdoch Childrens Research Institute); PubMed 39810750 (cited by Victorian Clinical Genetics Services, Murdoch Childrens Research Institute); PubMed 27142213 (cited by Victorian Clinical Genetics Services, Murdoch Childrens Research Institute).

NM_001379110.1(SLC9A6):c.55A>G (p.Ser19Gly)

Gene: SLC9A6 (solute carrier family 9 member A6; plus strand). Cytogenetic location: Xq26.3.
Variant type: single nucleotide variant.
Coding change: c.55A>G on transcript NM_001379110.1 (MANE Select); coding-DNA position 55, A replaced by G.
Protein change: p.Ser19Gly; replaces serine 19 with glycine.
Molecular consequence: missense variant.
Genome position (GRCh38, 1-based): chrX:135,985,713, A>G. VCF-style: chrX-135985713-A-G. GRCh37 (hg19) VCF-style: chrX-135067872-A-G.
Other names: c.211A>G, p.Ser71Gly (NM_001042537.2, NM_006359.3); c.55A>G, p.Ser19Gly (NM_001177651.2, NM_001330652.2, NM_001400909.1 and 4 more transcripts); short protein forms S19G, S71G.
Identifiers: ClinVar variation 1705001 (VCV001705001.4), dbSNP rs2089324047, ClinGen allele CA414606761.